The following is an entry in ClinVar:

ClinVar aggregate classification (germline): Uncertain significance. Review status: criteria provided, single submitter (1 of 4 stars). 2 submissions from 2 submitters: Uncertain significance (1). 1 of the submissions does not count toward it. Last evaluated 2025-03-11.

Conditions:
Leber congenital amaurosis (LCA). Also called: Leber's amaurosis. Identifiers: Orphanet 65, MedGen C0339527, MeSH D057130, MONDO:0018998.
CEP290-related disorder. Also called: CEP290-related condition; CEP290-related disorders. Identifiers: MedGen CN239314.

gnomAD v4.1: 10 of 1,588,794 alleles (0.00063%); highest among the groups gnomAD compares: Admixed American, 0.018%; no homozygotes.

Submissions (2):

PreventionGenetics, part of Exact Sciences
Classification: Uncertain significance for CEP290-related condition. Last evaluated: 2025-03-11. Review status: criteria provided, single submitter. Criteria: ACMG Guidelines, 2015. Collection method: clinical testing. Allele origin: germline.
Comment: The CEP290 c.167A>T variant is predicted to result in the amino acid substitution p.Gln56Leu. To our knowledge, this variant has not been reported in the literature. This variant is reported in 0.017% of alleles in individuals of Latino descent in gnomAD. At this time, the clinical significance of this variant is uncertain due to the absence of conclusive functional and genetic evidence.

Natera, Inc.
Classification: Uncertain significance for Leber congenital amaurosis. Last evaluated: 2025-04-18. Review status: no assertion criteria provided. Collection method: clinical testing. Allele origin: germline. Not counted in ClinVar's aggregate classification.

NM_025114.4(CEP290):c.167A>T (p.Gln56Leu)

Gene: CEP290 (centrosomal protein 290; minus strand). Cytogenetic location: 12q21.32.
Variant type: single nucleotide variant.
Coding change: c.167A>T on transcript NM_025114.4 (MANE Select); coding-DNA position 167, A replaced by T.
Protein change: p.Gln56Leu; replaces glutamine 56 with leucine.
Molecular consequence: missense variant.
Genome position (GRCh38, 1-based): chr12:88,140,969, T>A on the plus strand (A>T on the coding strand, the complement: CEP290 is on the minus strand). VCF-style: chr12-88140969-T-A. GRCh37 (hg19) VCF-style: chr12-88534746-T-A.
Other names: short protein forms Q56L.
Identifiers: ClinVar variation 4064257 (VCV004064257.2).